The following is an entry in ClinVar:

NM_001195263.2(PDZD7):c.2012G>A (p.Arg671His)

Gene: PDZD7 (PDZ domain containing 7; minus strand). Cytogenetic location: 10q24.31.
Variant type: single nucleotide variant.
Coding change: c.2012G>A on transcript NM_001195263.2 (MANE Select); coding-DNA position 2012, G replaced by A.
Protein change: p.Arg671His; replaces arginine 671 with histidine.
Molecular consequence: missense variant.
Genome position (GRCh38, 1-based): chr10:101,010,877, C>T on the plus strand (G>A on the coding strand, the complement: PDZD7 is on the minus strand). VCF-style: chr10-101010877-C-T. GRCh37 (hg19) VCF-style: chr10-102770634-C-T.
Other names: short protein forms R671H.
Identifiers: ClinVar variation 836955 (VCV000836955.10), dbSNP rs746897547, ClinGen allele CA5654004.

ClinVar aggregate classification (germline): Uncertain significance. Review status: criteria provided, multiple submitters, no conflicts (2 of 4 stars). 4 submissions from 4 submitters: Uncertain significance (4). Last evaluated 2026-03-05.

Conditions:
PDZD7-related disorder. Also called: PDZD7-related condition; PDZD7-related disorders.

Allele frequency attached by ClinVar (database versions not stated): gnomAD 0.00001 and 0.00002; gnomAD exomes 0.00001 and 0.00003; TOPMed 0.00001; ExAC 0.00018.

Submissions (4):

PreventionGenetics, part of Exact Sciences
Classification: Uncertain significance for PDZD7-related condition. Last evaluated: 2026-03-05. Review status: criteria provided, single submitter. Criteria: ACMG Guidelines, 2015. Collection method: clinical testing. Allele origin: germline.
Comment: The PDZD7 c.2012G>A variant is predicted to result in the amino acid substitution p.Arg671His. To our knowledge, this variant has not been reported in the literature. This variant is reported in 0.013% of alleles in individuals of South Asian descent in gnomAD. At this time, the clinical significance of this variant is uncertain due to the absence of conclusive functional and genetic evidence.

Labcorp Genetics (formerly Invitae), Labcorp
Classification: Uncertain significance. Last evaluated: 2026-01-05. Review status: criteria provided, single submitter. Criteria: Invitae Variant Classification Sherloc (09022015). Collection method: clinical testing. Allele origin: germline.
Comment: This sequence change replaces arginine, which is basic and polar, with histidine, which is basic and polar, at codon 671 of the PDZD7 protein (p.Arg671His). This variant is present in population databases (rs746897547, gnomAD 0.01%). This variant has not been reported in the literature in individuals affected with PDZD7-related conditions. ClinVar contains an entry for this variant (Variation ID: 836955). Invitae Evidence Modeling of protein sequence and biophysical properties (such as structural, functional, and spatial information, amino acid conservation, physicochemical variation, residue mobility, and thermodynamic stability) indicates that this missense variant is not expected to disrupt PDZD7 protein function with a negative predictive value of 80%. In summary, the available evidence is currently insufficient to determine the role of this variant in disease. Therefore, it has been classified as a Variant of Uncertain Significance.

Blueprint Genetics
Classification: Uncertain significance. Last evaluated: 2024-10-21. Review status: criteria provided, single submitter. Criteria: ACMG Guidelines, 2015. Collection method: clinical testing. Allele origin: germline.

GeneDx
Classification: Uncertain significance. Last evaluated: 2023-01-24. Review status: criteria provided, single submitter. Criteria: GeneDx Variant Classification Process June 2021. Collection method: clinical testing. Allele origin: germline. Affected: yes.
Comment: Has not been previously published as pathogenic or benign to our knowledge